The following is an entry in ClinVar:

ClinVar aggregate classification (germline): Uncertain significance (1 of 4 stars; one submission).

gnomAD v4.1: 3 of 1,551,542 alleles (0.00019%); highest among the groups gnomAD compares: Non-Finnish European, 0.00026%; no homozygotes.

Submission:

Ambry Genetics
Classification: Uncertain significance. Last evaluated: 2025-04-09. Review status: criteria provided, single submitter. Criteria: Ambry Variant Classification Scheme 2023. Collection method: clinical testing. Allele origin: germline.
Comment: The p.T28M variant (also known as c.83C>T), located in coding exon 1 of the SRP72 gene, results from a C to T substitution at nucleotide position 83. The threonine at codon 28 is replaced by methionine, an amino acid with similar properties. This amino acid position is conserved. In addition, this alteration is predicted to be tolerated by in silico analysis. Based on the available evidence, the clinical significance of this variant remains unclear.

NM_006947.4(SRP72):c.83C>T (p.Thr28Met)

Gene: SRP72 (signal recognition particle 72; plus strand). Cytogenetic location: 4q12.
Variant type: single nucleotide variant.
Coding change: c.83C>T on transcript NM_006947.4 (MANE Select); coding-DNA position 83, C replaced by T.
Protein change: p.Thr28Met; replaces threonine 28 with methionine.
Molecular consequence: missense variant. On other transcripts: non-coding transcript variant (1).
Genome position (GRCh38, 1-based): chr4:56,467,718, C>T. VCF-style: chr4-56467718-C-T. GRCh37 (hg19) VCF-style: chr4-57333884-C-T.
Other names: c.83C>T, p.Thr28Met (NM_001267722.2); short protein forms T28M.
Identifiers: ClinVar variation 3962060 (VCV003962060.1).